The following is an entry in ClinVar:

NM_001010874.5(TECRL):c.179T>G (p.Phe60Cys)

Gene: TECRL (trans-2,3-enoyl-CoA reductase like; minus strand). Cytogenetic location: 4q13.1.
Variant type: single nucleotide variant.
Coding change: c.179T>G on transcript NM_001010874.5 (MANE Select); coding-DNA position 179, T replaced by G.
Protein change: p.Phe60Cys; replaces phenylalanine 60 with cysteine.
Molecular consequence: missense variant.
Genome position (GRCh38, 1-based): chr4:64,409,173, A>C on the plus strand (T>G on the coding strand, the complement: TECRL is on the minus strand). VCF-style: chr4-64409173-A-C. GRCh37 (hg19) VCF-style: chr4-65274891-A-C.
Other names: c.179T>G, p.Phe60Cys (NM_001363796.1); short protein forms F60C.
Identifiers: ClinVar variation 1780344 (VCV001780344.2), dbSNP rs2475861153, ClinGen allele CA357148955.
Genomic context (GRCh38, chr4:64,409,173, plus strand): 5'-CTCACCTTATCCAGAATACATATCTGTTTCCTTGTTTGAGCATCAAATATTTCAATCTCA[A>C]AGTGAGTCGTTTTTGAATGTTTGACTGCTGGAGTTGGTCTTAGAGGGCCCGCTGAGAGTA-3'
Protein context (NP_001010874.2, residues 50-70): PAVKHSKTTH[Phe60Cys]EIEIFDAQTR

ClinVar aggregate classification (germline): Uncertain significance (1 of 4 stars; one submission).

Conditions:
Cardiovascular phenotype. Identifiers: MedGen CN230736.

Allele frequency attached by ClinVar (database versions not stated): gnomAD exomes below 0.00001.
gnomAD v4.1: 4 of 1,613,694 alleles (0.00025%); highest among the groups gnomAD compares: South Asian, 0.0011%; no homozygotes.

Submission:

Ambry Genetics
Classification: Uncertain significance for Cardiovascular phenotype. Last evaluated: 2019-08-29. Review status: criteria provided, single submitter. Criteria: Ambry Variant Classification Scheme 2023. Collection method: clinical testing. Allele origin: germline.
Comment: The p.F60C variant (also known as c.179T>G), located in coding exon 1 of the TECRL gene, results from a T to G substitution at nucleotide position 179. The phenylalanine at codon 60 is replaced by cysteine, an amino acid with highly dissimilar properties. This amino acid position is well conserved in available vertebrate species. In addition, the in silico prediction for this alteration is inconclusive. Since supporting evidence is limited at this time, the clinical significance of this alteration remains unclear.